The following is an entry in ClinVar:

NM_001206999.2(CIT):c.1031G>T (p.Gly344Val)

Gene: CIT (citron rho-interacting serine/threonine kinase; minus strand). Cytogenetic location: 12q24.23.
Variant type: single nucleotide variant.
Coding change: c.1031G>T on transcript NM_001206999.2 (MANE Select); coding-DNA position 1031, G replaced by T.
Protein change: p.Gly344Val; replaces glycine 344 with valine.
Molecular consequence: missense variant.
Genome position (GRCh38, 1-based): chr12:119,822,900, C>A on the plus strand (G>T on the coding strand, the complement: CIT is on the minus strand). VCF-style: chr12-119822900-C-A. GRCh37 (hg19) VCF-style: chr12-120260704-C-A.
Other names: c.1031G>T, p.Gly344Val (NM_007174.3); short protein forms G344V.
Identifiers: ClinVar variation 1032701 (VCV001032701.2), dbSNP rs149806257, ClinGen allele CA6822218.

ClinVar aggregate classification (germline): Uncertain significance. Review status: criteria provided, multiple submitters, no conflicts (2 of 4 stars). 2 submissions from 2 submitters: Uncertain significance (2). Last evaluated 2024-04-01.

Conditions:
Microcephaly 17, primary, autosomal recessive (MCPH17). Identifiers: Orphanet 2512, MedGen C4310723, MONDO:0014908, OMIM 617090.
Inborn genetic diseases. Identifiers: MedGen C0950123, MeSH D030342.

Allele frequency attached by ClinVar (database versions not stated): ExAC 0.00002; gnomAD exomes 0.00003; TOPMed 0.00009; ESP Exome Variant Server 0.00015.
gnomAD v4.1: 133 of 1,613,978 alleles (0.0082%); highest among the groups gnomAD compares: Non-Finnish European, 0.0099%; no homozygotes.

Submissions (2):

Ambry Genetics
Classification: Uncertain significance for Inborn genetic diseases. Last evaluated: 2024-04-01. Review status: criteria provided, single submitter. Criteria: Ambry Variant Classification Scheme 2023. Collection method: clinical testing. Allele origin: germline.

Baylor Genetics
Classification: Uncertain significance for Microcephaly 17, primary, autosomal recessive. Last evaluated: 2018-02-13. Review status: criteria provided, single submitter. Criteria: ACMG Guidelines, 2015. Collection method: clinical testing. Allele origin: unknown. Affected: yes.
Comment: This variant was determined to be of uncertain significance according to ACMG Guidelines, 2015 [PMID:25741868].